The following is an entry in ClinVar:

NM_001042492.3(NF1):c.2274_2275del (p.Arg758fs)

Gene: NF1 (neurofibromin 1; plus strand). Cytogenetic location: 17q11.2.
Variant type: Microsatellite.
Coding change: c.2274_2275del on transcript NM_001042492.3 (MANE Select); coding-DNA positions 2274 to 2275, 2 bases deleted (AG; older notation c.2274_2275delAG).
Protein change: p.Arg758fs; shifts the reading frame from arginine 758.
Molecular consequence: frameshift variant.
Genome position (GRCh38, 1-based): chr17:31,227,240-31,227,241, AG deleted; deleting any 2 consecutive bases within chr17:31,227,238-31,227,241 gives the same sequence; the c. name uses the placement nearest the transcript's 3' end. VCF-style (leftmost placement, unchanged base first): chr17-31227237-AAG-A. GRCh37 (hg19) VCF-style: chr17-29554255-AAG-A.
Other names: c.2274_2275delAG (NM_000267.3); c.2272_2273AG[1], p.Arg758Serfs (NM_000267.4); short protein forms R758fs.
Identifiers: ClinVar variation 1454376 (VCV001454376.8), dbSNP rs2151426874, ClinGen allele CA2580614075.

ClinVar aggregate classification (germline): Pathogenic. Review status: criteria provided, multiple submitters, no conflicts (2 of 4 stars). 2 submissions from 2 submitters: Pathogenic (2). Last evaluated 2021-10-04.

Conditions:
Cardiovascular phenotype. Identifiers: MedGen CN230736.
Hereditary cancer-predisposing syndrome. Also called: Hereditary Cancer Syndrome; Hereditary neoplastic syndrome; Tumor predisposition; Neoplastic Syndromes, Hereditary. Identifiers: Orphanet 140162, MedGen C0027672, MeSH D009386, MONDO:0015356.
Neurofibromatosis, type 1 (NF1). Also called: Neurofibromatosis, type I; VON RECKLINGHAUSEN DISEASE; NEUROFIBROMATOSIS, TYPE I, SOMATIC; Peripheral type neurofibromatosis. Identifiers: Orphanet 636, MedGen C0027831, MONDO:0018975, OMIM 162200. Disease mechanism: loss of function.

Submissions (2):

Labcorp Genetics (formerly Invitae), Labcorp
Classification: Pathogenic for Neurofibromatosis, type 1. Last evaluated: 2021-10-04. Review status: criteria provided, single submitter. Criteria: Invitae Variant Classification Sherloc (09022015). Collection method: clinical testing. Allele origin: germline.
Comment: For these reasons, this variant has been classified as Pathogenic. This variant is also known as 2272delAG. This premature translational stop signal has been observed in individual(s) with neurofibromatosis (PMID: 10712197). This variant is not present in population databases (ExAC no frequency). This sequence change creates a premature translational stop signal (p.Arg758Serfs*9) in the NF1 gene. It is expected to result in an absent or disrupted protein product. Loss-of-function variants in NF1 are known to be pathogenic (PMID: 10712197, 23913538).

Ambry Genetics
Classification: Pathogenic for Cardiovascular phenotype; Hereditary cancer-predisposing syndrome. Last evaluated: 2020-04-29. Review status: criteria provided, single submitter. Criteria: Ambry Variant Classification Scheme 2023. Collection method: clinical testing. Allele origin: germline.
Comment: The c.2274_2275delAG pathogenic mutation, located in coding exon 19 of the NF1 gene, results from a deletion of two nucleotides at nucleotide positions 2274 to 2275, causing a translational frameshift with a predicted alternate stop codon (p.R758Sfs*9). This alteration, designated as 2272delAG, was identified in a cohort of patients meeting the clinical criteria for diagnosis of neurofibromatosis type I (Fahsold R et al. Am. J. Hum. Genet. 2000 Mar;66:790-818). This variant was not reported in population-based cohorts in the Genome Aggregation Database (gnomAD). In addition to the clinical data presented in the literature, this alteration is expected to result in loss of function by premature protein truncation or nonsense-mediated mRNA decay. As such, this alteration is interpreted as a disease-causing mutation.

Literature cited by the submitters: PubMed 10712197 (cited by Labcorp Genetics (formerly Invitae), Labcorp); PubMed 23913538 (cited by Labcorp Genetics (formerly Invitae), Labcorp).